The following is an entry in ClinVar:

NM_001999.4(FBN2):c.7472-17A>G

Gene: FBN2 (fibrillin 2; minus strand). Cytogenetic location: 5q23.3.
Variant type: single nucleotide variant.
Coding change: c.7472-17A>G on transcript NM_001999.4 (MANE Select); 17 bases into the intron before coding-DNA position 7472, A replaced by G.
Molecular consequence: intron variant.
Genome position (GRCh38, 1-based): chr5:128,276,177, T>C on the plus strand (A>G on the coding strand, the complement: FBN2 is on the minus strand). VCF-style: chr5-128276177-T-C. GRCh37 (hg19) VCF-style: chr5-127611869-T-C.
Identifiers: ClinVar variation 382532 (VCV000382532.6), dbSNP rs773888786, ClinGen allele CA3394106.
Genomic context (GRCh38, chr5:128,276,177, plus strand): 5'-GATGTAGTTGCATGGTTTCGGGGACTGGGAGCATTCATCAAGGTCTAAGTAAAAGTGATG[T>C]GAAGATTAAATTACTGGTTAAAAGAAACAACCAGACTCTTTCCTCCTTCCATATTCTCAC-3'

ClinVar aggregate classification (germline): Likely benign. Review status: criteria provided, multiple submitters, no conflicts (2 of 4 stars). 2 submissions from 2 submitters: Likely benign (2). Last evaluated 2025-08-22.

Conditions:
Congenital contractural arachnodactyly (CCA). Also called: BEALS SYNDROME; Arthrogryposis, distal, type 9; Beals-Hecht syndrome. Identifiers: Orphanet 115, MedGen C0220668, MONDO:0007363, OMIM 121050.

Allele frequency attached by ClinVar (database versions not stated): gnomAD 0.00001; TOPMed 0.00002; gnomAD exomes 0.00003 and 0.00007; ExAC 0.00004.
gnomAD v4.1: 22 of 1,612,614 alleles (0.0014%); highest among the groups gnomAD compares: Admixed American, 0.037%; no homozygotes.

Submissions (2):

Labcorp Genetics (formerly Invitae), Labcorp
Classification: Likely benign for Congenital contractural arachnodactyly. Last evaluated: 2025-08-22. Review status: criteria provided, single submitter. Criteria: Invitae Variant Classification Sherloc (09022015). Collection method: clinical testing. Allele origin: germline.

GeneDx
Classification: Likely benign. Last evaluated: 2015-12-28. Review status: criteria provided, single submitter. Criteria: GeneDx Variant Classification (06012015). Collection method: clinical testing. Allele origin: germline. Affected: yes.
Comment: This variant is considered likely benign or benign based on one or more of the following criteria: it is a conservative change, it occurs at a poorly conserved position in the protein, it is predicted to be benign by multiple in silico algorithms, and/or has population frequency not consistent with disease.